The following is an entry in ClinVar:

NM_001195305.3(BBIP1):c.233G>A (p.Arg78His)

Gene: BBIP1 (BBSome interacting protein 1; minus strand). Cytogenetic location: 10q25.2.
Variant type: single nucleotide variant.
Coding change: c.233G>A on transcript NM_001195305.3 (MANE Select); coding-DNA position 233, G replaced by A.
Protein change: p.Arg78His; replaces arginine 78 with histidine.
Molecular consequence: missense variant. On other transcripts: 3 prime UTR variant (1).
Genome position (GRCh38, 1-based): chr10:110,900,406, C>T on the plus strand (G>A on the coding strand, the complement: BBIP1 is on the minus strand). VCF-style: chr10-110900406-C-T. GRCh37 (hg19) VCF-style: chr10-112660164-C-T.
Other names: c.*78G>A (NM_001195304.2); c.233G>A, p.Arg78His (NM_001195306.2); c.158G>A, p.Arg53His (NM_001195307.2); c.167G>A, p.Arg56His (NM_001243783.3); short protein forms R53H, R56H, R78H.
Identifiers: ClinVar variation 1054810 (VCV001054810.15), dbSNP rs532149239, ClinGen allele CA5689310.
Genomic context (GRCh38, chr10:110,900,406, plus strand): 5'-TGCTCAGTTATCATTCAGTGGGTTATTTGCCGTTGATCCTTTTCTGCCATTTCTTGTTGG[C>T]GAATTGTATTCTGTGCTGCTTGATGCATTTTCTCTAGTTTTTCCAGAGTCAGAGATTTTA-3'
Protein context (NP_001182234.1, residues 68-88): KMHQAAQNTI[Arg78His]QQEMAEKDQR

ClinVar aggregate classification (germline): Uncertain significance. Review status: criteria provided, multiple submitters, no conflicts (2 of 4 stars). 6 submissions from 6 submitters: Uncertain significance (4). 2 of the submissions do not count toward it. Last evaluated 2026-03-04.

Conditions:
Bardet-Biedl syndrome 18 (BBS18). Identifiers: Orphanet 110, MedGen C3806174, MONDO:0014446, OMIM 615995.
BBIP1-related disorder. Also called: BBIP1-related condition.

Allele frequency attached by ClinVar (database versions not stated): TOPMed 0.00005; gnomAD exomes 0.00006; ExAC 0.00007; gnomAD 0.00010 and 0.00012; 1000 Genomes Project 0.00040; 1000 Genomes Project 30x 0.00047.
gnomAD v4.1: 136 of 1,535,362 alleles (0.0089%); highest among the groups gnomAD compares: Middle Eastern, 0.017%; no homozygotes.

Submissions (6):

PreventionGenetics, part of Exact Sciences
Classification: Uncertain significance for BBIP1-related condition. Last evaluated: 2026-03-04. Review status: criteria provided, single submitter. Criteria: ACMG Guidelines, 2015. Collection method: clinical testing. Allele origin: germline.
Comment: The BBIP1 c.233G>A variant is predicted to result in the amino acid substitution p.Arg78His. To our knowledge, this variant has not been reported in the literature. This variant is reported in 0.0089% of alleles in individuals of South Asian descent in gnomAD. At this time, the clinical significance of this variant is uncertain due to the absence of conclusive functional and genetic evidence.

Labcorp Genetics (formerly Invitae), Labcorp
Classification: Uncertain significance. Last evaluated: 2025-12-29. Review status: criteria provided, single submitter. Criteria: Invitae Variant Classification Sherloc (09022015). Collection method: clinical testing. Allele origin: germline.
Comment: This sequence change replaces arginine, which is basic and polar, with histidine, which is basic and polar, at codon 78 of the BBIP1 protein (p.Arg78His). This variant is present in population databases (rs532149239, gnomAD 0.009%). This variant has not been reported in the literature in individuals affected with BBIP1-related conditions. ClinVar contains an entry for this variant (Variation ID: 1054810). An algorithm developed to predict the effect of missense changes on protein structure and function outputs the following: PolyPhen-2: "Benign". The histidine amino acid residue is found in multiple mammalian species, which suggests that this missense change does not adversely affect protein function. In summary, the available evidence is currently insufficient to determine the role of this variant in disease. Therefore, it has been classified as a Variant of Uncertain Significance.

Fulgent Genetics
Classification: Uncertain significance for Bardet-Biedl syndrome 18. Last evaluated: 2022-05-19. Review status: criteria provided, single submitter. Criteria: ACMG Guidelines, 2015. Collection method: clinical testing. Allele origin: unknown.

Breakthrough Genomics
Classification: Uncertain significance. Review status: criteria provided, single submitter. Criteria: ACMG Guidelines, 2015. Collection method: not provided. Allele origin: germline. Inheritance: Autosomal recessive inheritance. Affected: yes.

Clinical Genetics DNA and cytogenetics Diagnostics Lab, Erasmus MC, Erasmus Medical Center
Classification: Likely benign. Review status: no assertion criteria provided. Collection method: clinical testing. Allele origin: germline. Affected: yes. Study: VKGL Data-share Consensus. Not counted in ClinVar's aggregate classification.

Clinical Genetics, Academic Medical Center
Classification: Likely benign. Review status: no assertion criteria provided. Collection method: clinical testing. Allele origin: germline. Affected: yes. Study: VKGL Data-share Consensus. Not counted in ClinVar's aggregate classification.